The following is an entry in ClinVar:

ClinVar aggregate classification (germline): Pathogenic. Review status: criteria provided, multiple submitters, no conflicts (2 of 4 stars). 2 submissions from 2 submitters: Pathogenic (2). Last evaluated 2025-01-29.

Conditions:
Orofaciodigital syndrome type 6 (OFD6). Also called: OROFACIODIGITAL SYNDROME VI; OFDS VI; POLYDACTYLY, CLEFT LIP/PALATE OR LINGUAL LUMP, AND PSYCHOMOTOR RETARDATION; VARADI SYNDROME; VARADI-PAPP SYNDROME; Oral-facial-digital syndrome type 6. Identifiers: Orphanet 2754, MedGen C2745997, MONDO:0010176, OMIM 277170.

Submissions (2):

Women's Health and Genetics/Laboratory Corporation of America, LabCorp
Classification: Pathogenic for Orofaciodigital syndrome type 6. Last evaluated: 2025-01-29. Review status: criteria provided, single submitter. Criteria: LabCorp Variant Classification Summary - May 2015. Collection method: clinical testing. Allele origin: germline.
Comment: Variant summary: CPLANE1 c.5594dupA (p.Asn1865LysfsX3) results in a premature termination codon, predicted to cause a truncation of the encoded protein or absence of the protein due to nonsense mediated decay, which are commonly known mechanisms for disease. The variant allele was found at a frequency of 3.2e-05 in 31108 control chromosomes. c.5594dupA has been reported in the literature in individuals affected with Orofaciodigital Syndrome 6 (Dordoni_2019). To our knowledge, no experimental evidence demonstrating an impact on protein function has been reported. The following publication have been ascertained in the context of this evaluation (PMID: 31158925). ClinVar contains an entry for this variant (Variation ID: 1455619). Based on the evidence outlined above, the variant was classified as pathogenic.

Labcorp Genetics (formerly Invitae), Labcorp
Classification: Pathogenic. Last evaluated: 2023-10-30. Review status: criteria provided, single submitter. Criteria: Invitae Variant Classification Sherloc (09022015). Collection method: clinical testing. Allele origin: germline.
Comment: This sequence change creates a premature translational stop signal (p.Asn1865Lysfs*3) in the CPLANE1 gene. It is expected to result in an absent or disrupted protein product. Loss-of-function variants in CPLANE1 are known to be pathogenic (PMID: 24178751, 26092869). This variant is present in population databases (no rsID available, gnomAD 0.007%). This premature translational stop signal has been observed in individual(s) with clinical features of oral‐facial‐digital syndrome (PMID: 31158925). This variant is also known as c.5594_5595insA. ClinVar contains an entry for this variant (Variation ID: 1455619). For these reasons, this variant has been classified as Pathogenic.

Literature cited by the submitters: PubMed 31158925 (cited by Women's Health and Genetics/Laboratory Corporation of America, LabCorp and Labcorp Genetics (formerly Invitae), Labcorp); PubMed 24178751 (cited by Labcorp Genetics (formerly Invitae), Labcorp); PubMed 26092869 (cited by Labcorp Genetics (formerly Invitae), Labcorp).

NM_001384732.1(CPLANE1):c.5594dup (p.Asn1865fs)

Gene: CPLANE1 (ciliogenesis and planar polarity effector complex subunit 1; minus strand). Cytogenetic location: 5p13.2.
Variant type: Duplication.
Coding change: c.5594dup on transcript NM_001384732.1 (MANE Select); coding-DNA position 5594, one base duplicated (A; older notation c.5594dupA).
Protein change: p.Asn1865fs; shifts the reading frame from asparagine 1865.
Molecular consequence: frameshift variant.
Genome position (GRCh38, 1-based): chr5:37,180,160, T duplicated on the plus strand (A on the coding strand, the reverse complement: CPLANE1 is on the minus strand); the first of 6 consecutive T bases (chr5:37,180,160-37,180,165); duplicating any one gives the same sequence. VCF-style (leftmost placement, unchanged base first): chr5-37180159-A-AT. GRCh37 (hg19) VCF-style: chr5-37180261-A-AT.
Other names: c.5594dup, p.Asn1865fs (NM_023073.4); c.5594dupA (NM_023073.4); short protein forms N1865fs.
Identifiers: ClinVar variation 1455619 (VCV001455619.10), dbSNP rs990257446, ClinGen allele CA117066820.
Genomic context (GRCh38, chr5:37,180,159, plus strand): 5'-TTCTTTTTTAGTATTATGAGTGATGGAAATAATATCATCATTGATTTCTTTTATATCAGG[A>AT]TTTTTTGCTTCAGTTGGCATTCTACTGAAAAAAATGCAGCAACTAAAATTACAACTATTC-3'